The following is an entry in ClinVar:

NM_020336.4(RALGAPB):c.554-10T>C

Gene: RALGAPB (Ral GTPase activating protein non-catalytic subunit beta; plus strand). Cytogenetic location: 20q11.23.
Variant type: single nucleotide variant.
Coding change: c.554-10T>C on transcript NM_020336.4 (MANE Select); 10 bases into the intron before coding-DNA position 554, T replaced by C.
Molecular consequence: intron variant.
Genome position (GRCh38, 1-based): chr20:38,499,437, T>C. VCF-style: chr20-38499437-T-C. GRCh37 (hg19) VCF-style: chr20-37128080-T-C.
Other names: c.554-10T>C (NM_001282918.2, NM_001282917.2).
Identifiers: ClinVar variation 3055608 (VCV003055608.2), dbSNP rs16987350, ClinGen allele CA9853729.

ClinVar aggregate classification (germline): Benign (0 of 4 stars; one submission).

Conditions:
RALGAPB-related disorder. Also called: RALGAPB-related condition.

Allele frequency attached by ClinVar (database versions not stated): gnomAD exomes 0.02131; ExAC 0.02671; gnomAD 0.04954; 1000 Genomes Project 0.04972; 1000 Genomes Project 30x 0.05200; TOPMed 0.05466; ESP Exome Variant Server 0.05490.
gnomAD v4.1: 38,056 of 1,567,000 alleles (2.4%); highest among the groups gnomAD compares: African/African-American, 13%; 976 homozygotes.

Submission:

PreventionGenetics, part of Exact Sciences
Classification: Benign for RALGAPB-related condition. Last evaluated: 2020-02-18. Review status: no assertion criteria provided. Collection method: clinical testing. Allele origin: germline.
Comment: This variant is classified as benign based on ACMG/AMP sequence variant interpretation guidelines (Richards et al. 2015 PMID: 25741868, with internal and published modifications).